The following is an entry in ClinVar:

ClinVar aggregate classification (germline): Uncertain significance (1 of 4 stars; one submission).

Conditions:
CNOT1-related disorder. Also called: CNOT1-related condition.

Allele frequency attached by ClinVar (database versions not stated): TOPMed below 0.00001; gnomAD 0.00001.
gnomAD v4.1: 1 of 1,150,444 alleles (0.000087%); highest among the groups gnomAD compares: African/African-American, 0.0015%; no homozygotes.

Submission:

PreventionGenetics, part of Exact Sciences
Classification: Uncertain significance for CNOT1-related condition. Last evaluated: 2023-06-14. Review status: criteria provided, single submitter. Criteria: ACMG Guidelines, 2015. Collection method: clinical testing. Allele origin: germline.
Comment: The CNOT1 c.5136-4C>G variant is predicted to interfere with splicing. To our knowledge, this variant has not been reported in the literature or in a large population database, indicating this variant is rare. At this time, the clinical significance of this variant is uncertain due to the absence of conclusive functional and genetic evidence.

NM_016284.5(CNOT1):c.5136-4C>G

Gene: CNOT1 (CCR4-NOT transcription complex subunit 1; minus strand). Cytogenetic location: 16q21.
Variant type: single nucleotide variant.
Coding change: c.5136-4C>G on transcript NM_016284.5 (MANE Select); 4 bases into the intron before coding-DNA position 5136, C replaced by G.
Molecular consequence: intron variant.
Genome position (GRCh38, 1-based): chr16:58,538,270, G>C on the plus strand (C>G on the coding strand, the complement: CNOT1 is on the minus strand). VCF-style: chr16-58538270-G-C. GRCh37 (hg19) VCF-style: chr16-58572174-G-C.
Other names: c.5121-4C>G (NM_001265612.2).
Identifiers: ClinVar variation 2632384 (VCV002632384.1), dbSNP rs2039979310, ClinGen allele CA977773277.